The following is an entry in ClinVar:

ClinVar aggregate classification (germline): Uncertain significance (1 of 4 stars; one submission).

Conditions:
Short-rib thoracic dysplasia 8 with or without polydactyly (SRTD8). Also called: SHORT-RIB THORACIC DYSPLASIA 8 WITH POLYDACTYLY. Identifiers: Orphanet 93271, MedGen C3809691, MONDO:0014214, OMIM 615503.

Allele frequency attached by ClinVar (database versions not stated): gnomAD exomes below 0.00001; ExAC 0.00001; gnomAD 0.00003; TOPMed 0.00003.
gnomAD v4.1: 8 of 1,613,326 alleles (0.0005%); highest among the groups gnomAD compares: African/African-American, 0.0067%; no homozygotes.

Submission:

Labcorp Genetics (formerly Invitae), Labcorp
Classification: Uncertain significance for Short-rib thoracic dysplasia 8 with or without polydactyly. Last evaluated: 2022-03-20. Review status: criteria provided, single submitter. Criteria: Invitae Variant Classification Sherloc (09022015). Collection method: clinical testing. Allele origin: germline.
Comment: This sequence change replaces arginine, which is basic and polar, with tryptophan, which is neutral and slightly polar, at codon 495 of the WDR60 protein (p.Arg495Trp). This variant is present in population databases (rs771932685, gnomAD 0.006%). This variant has not been reported in the literature in individuals affected with WDR60-related conditions. Algorithms developed to predict the effect of missense changes on protein structure and function are either unavailable or do not agree on the potential impact of this missense change (SIFT: "Deleterious"; PolyPhen-2: "Possibly Damaging"; Align-GVGD: "Class C0"). Algorithms developed to predict the effect of sequence changes on RNA splicing suggest that this variant may disrupt the consensus splice site. In summary, the available evidence is currently insufficient to determine the role of this variant in disease. Therefore, it has been classified as a Variant of Uncertain Significance.

NM_018051.5(DYNC2I1):c.1483C>T (p.Arg495Trp)

Gene: DYNC2I1 (dynein 2 intermediate chain 1; plus strand). Cytogenetic location: 7q36.3.
Variant type: single nucleotide variant.
Coding change: c.1483C>T on transcript NM_018051.5 (MANE Select); coding-DNA position 1483, C replaced by T.
Protein change: p.Arg495Trp; replaces arginine 495 with tryptophan.
Molecular consequence: missense variant.
Genome position (GRCh38, 1-based): chr7:158,911,572, C>T. VCF-style: chr7-158911572-C-T. GRCh37 (hg19) VCF-style: chr7-158704263-C-T.
Other names: c.1345C>T, p.Arg449Trp (NM_001350914.2); c.910C>T, p.Arg304Trp (NM_001350915.2); c.22C>T, p.Arg8Trp (NM_001350916.2); c.235C>T, p.Arg79Trp (NM_001350917.2, NM_001350918.2); short protein forms R495W, R449W, R79W, R304W, R8W.
Identifiers: ClinVar variation 2165686 (VCV002165686.1), dbSNP rs771932685, ClinGen allele CA4594656.